The following is an entry in ClinVar:

ClinVar aggregate classification (germline): Uncertain significance (1 of 4 stars; one submission).

Submission:

Labcorp Genetics (formerly Invitae), Labcorp
Classification: Uncertain significance. Last evaluated: 2022-08-23. Review status: criteria provided, single submitter. Criteria: Invitae Variant Classification Sherloc (09022015). Collection method: clinical testing. Allele origin: germline.
Comment: In summary, the available evidence is currently insufficient to determine the role of this variant in disease. Therefore, it has been classified as a Variant of Uncertain Significance. ClinVar contains an entry for this variant (Variation ID: 1419314). This variant has not been reported in the literature in individuals affected with MTOR-related conditions. This variant is not present in population databases (gnomAD no frequency). This sequence change creates a premature translational stop signal (p.Ile1946Metfs*31) in the MTOR gene. It is expected to result in an absent or disrupted protein product. However, the current clinical and genetic evidence is not sufficient to establish whether loss-of-function variants in MTOR cause disease.

NM_004958.4(MTOR):c.5838del (p.Ile1946fs)

Gene: MTOR (mechanistic target of rapamycin kinase; minus strand). Cytogenetic location: 1p36.22.
Variant type: Deletion.
Coding change: c.5838del on transcript NM_004958.4 (MANE Select); coding-DNA position 5838, one base deleted (T; older notation c.5838delT).
Protein change: p.Ile1946fs; shifts the reading frame from isoleucine 1946.
Molecular consequence: frameshift variant.
Genome position (GRCh38, 1-based): chr1:11,128,526, A deleted on the plus strand (T on the coding strand, the reverse complement: MTOR is on the minus strand); the first of 2 consecutive A bases (chr1:11,128,526-11,128,527); deleting either gives the same sequence. VCF-style (leftmost placement, unchanged base first): chr1-11128525-CA-C. GRCh37 (hg19) VCF-style: chr1-11188582-CA-C.
Other names: c.5838del, p.Ile1946fs (NM_001386500.1); c.4590del, p.Ile1530fs (NM_001386501.1); short protein forms I1530fs, I1946fs.
Identifiers: ClinVar variation 1419314 (VCV001419314.6), dbSNP rs2100417614, ClinGen allele CA2573130704.